The following is an entry in ClinVar:

ClinVar aggregate classification (germline): Uncertain significance. Review status: criteria provided, multiple submitters, no conflicts (2 of 4 stars). 2 submissions from 2 submitters: Uncertain significance (2). Last evaluated 2024-01-25.

Conditions:
Pseudohypoaldosteronism type 2C (PHA2C). Also called: Pseudohypoaldosteronism Type IIC. Identifiers: Orphanet 757, Orphanet 88940, MedGen C1840391, MONDO:0013778, OMIM 614492.
Neuropathy, hereditary sensory and autonomic, type 2A (HSAN2A). Also called: ACROOSTEOLYSIS, GIACCAI TYPE; ACROOSTEOLYSIS, NEUROGENIC; MORVAN DISEASE; NEUROPATHY, CONGENITAL SENSORY; NEUROPATHY, HEREDITARY SENSORY RADICULAR, AUTOSOMAL RECESSIVE; NEUROPATHY, HEREDITARY SENSORY, TYPE IIA. Identifiers: Orphanet 970, MedGen C2752089, MONDO:0024309, OMIM 201300.

Allele frequency attached by ClinVar (database versions not stated): ExAC 0.00002; TOPMed 0.00008.
gnomAD v4.1: 18 of 1,613,852 alleles (0.0011%); highest among the groups gnomAD compares: African/African-American, 0.023%; no homozygotes.

Submissions (2):

Fulgent Genetics
Classification: Uncertain significance for Neuropathy, hereditary sensory and autonomic, type 2A; Pseudohypoaldosteronism type 2C. Last evaluated: 2024-01-25. Review status: criteria provided, single submitter. Criteria: ACMG Guidelines, 2015. Collection method: clinical testing. Allele origin: germline.

Labcorp Genetics (formerly Invitae), Labcorp
Classification: Uncertain significance for Neuropathy, hereditary sensory and autonomic, type 2A; Pseudohypoaldosteronism type 2C. Last evaluated: 2018-04-06. Review status: criteria provided, single submitter. Criteria: Invitae Variant Classification Sherloc (09022015). Collection method: clinical testing. Allele origin: germline.
Comment: This variant is present in population databases (rs753149891, ExAC 0.02%). This sequence change replaces proline with threonine at codon 947 of the WNK1 protein (p.Pro947Thr). The proline residue is highly conserved and there is a small physicochemical difference between proline and threonine. This variant has not been reported in the literature in individuals with WNK1-related disease. Algorithms developed to predict the effect of missense changes on protein structure and function do not agree on the potential impact of this missense change (SIFT: "Deleterious"; PolyPhen-2: "Probably Damaging"; Align-GVGD: "Class C0"). In summary, the available evidence is currently insufficient to determine the role of this variant in disease. Therefore, it has been classified as a Variant of Uncertain Significance.

NM_018979.4(WNK1):c.2839C>A (p.Pro947Thr)

Gene: WNK1 (WNK lysine deficient protein kinase 1; plus strand). Cytogenetic location: 12p13.33.
Variant type: single nucleotide variant.
Coding change: c.2839C>A on transcript NM_018979.4 (MANE Select); coding-DNA position 2839, C replaced by A.
Protein change: p.Pro947Thr; replaces proline 947 with threonine.
Molecular consequence: missense variant. On other transcripts: intron variant (2).
Genome position (GRCh38, 1-based): chr12:880,727, C>A. VCF-style: chr12-880727-C-A. GRCh37 (hg19) VCF-style: chr12-989893-C-A.
Other names: c.3619C>A, p.Pro1207Thr (NM_001184985.2); c.3868-965C>A (NM_213655.5); c.2371-965C>A (NM_014823.3); short protein forms P1207T, P947T.
Identifiers: ClinVar variation 1017341 (VCV001017341.7), dbSNP rs753149891, ClinGen allele CA6382592.
Genomic context (GRCh38, chr12:880,727, plus strand): 5'-CTAATTTATTGACCCCCAACCTGCTCTAACTCACCTTCCTCATTTCTGTCACAGGGCTTC[C>A]CACCTCGACTGCCACCACAGTACCCAGGAGATTCAAATATTGCTCCCTCTTCCAACGTGG-3'
Protein context (NP_061852.3, residues 937-957): SSGDVLYQGF[Pro947Thr]PRLPPQYPGD